The following is an entry in ClinVar:

NM_001270974.2(HYDIN):c.6324G>C (p.Glu2108Asp)

Gene: HYDIN (HYDIN axonemal central pair apparatus protein; minus strand). Cytogenetic location: 16q22.2.
Variant type: single nucleotide variant.
Coding change: c.6324G>C on transcript NM_001270974.2 (MANE Select); coding-DNA position 6324, G replaced by C.
Protein change: p.Glu2108Asp; replaces glutamic acid 2108 with aspartic acid.
Molecular consequence: missense variant.
Genome position (GRCh38, 1-based): chr16:70,952,628, C>G on the plus strand (G>C on the coding strand, the complement: HYDIN is on the minus strand). VCF-style: chr16-70952628-C-G. GRCh37 (hg19) VCF-style: chr16-70986531-C-G.
Other names: short protein forms E2108D.
Identifiers: ClinVar variation 3257635 (VCV003257635.17).
Genomic context (GRCh38, chr16:70,952,628, plus strand): 5'-CTTGCCCAAGGTGTCAGTGCTCAGTCGTCCTTGCCCTATGACGTTTTGACCCACAGCTGC[C>G]TCCTGGGCTATAAGGAGAGGGTGAATTTTTATTAAAAGTCACCTTAGAATCACAAAAAAT-3'
Protein context (NP_001257903.1, residues 2098-2118): SVKEGEEAAQ[Glu2108Asp]AAVGQNVIGQ

ClinVar aggregate classification (germline): Uncertain significance (1 of 4 stars; one submission).

Submission:

CeGaT Center for Human Genetics Tuebingen
Classification: Uncertain significance. Last evaluated: 2024-07-01. Review status: criteria provided, single submitter. Criteria: CeGaT Center For Human Genetics Tuebingen Variant Classification Criteria Version 2. Collection method: clinical testing. Allele origin: germline. Affected: yes. Observed: 1 variant allele.
Comment: HYDIN: PM2, BP4